The following is an entry in ClinVar:

NM_000051.4(ATM):c.8820C>T (p.Asn2940=)

Genes: C11orf65 (chromosome 11 open reading frame 65; minus strand), ATM (ATM serine/threonine kinase; plus strand). Cytogenetic location: 11q22.3.
Variant type: single nucleotide variant.
Coding change: c.8820C>T on transcript NM_000051.4 (MANE Select); coding-DNA position 8820, C replaced by T.
Protein change: p.Asn2940=; no amino-acid change (asparagine 2940 retained).
Molecular consequence: synonymous variant. On other transcripts: intron variant (2).
Genome position (GRCh38, 1-based): chr11:108,354,844, C>T. VCF-style: chr11-108354844-C-T. GRCh37 (hg19) VCF-style: chr11-108225571-C-T.
Other names: c.8820C>T, p.Asn2940= (NM_001351834.2); c.640+31076G>A (NM_001330368.2); c.695-19552G>A (NM_001351110.2).
Identifiers: ClinVar variation 185135 (VCV000185135.20), dbSNP rs775823407, ClinGen allele CA191125.

ClinVar aggregate classification (germline): Benign/Likely benign. Review status: criteria provided, multiple submitters, no conflicts (2 of 4 stars). 5 submissions from 5 submitters: Benign (1); Likely benign (4). Last evaluated 2025-11-06.

Conditions:
Hereditary cancer-predisposing syndrome. Also called: Hereditary Cancer Syndrome; Tumor predisposition; Neoplastic Syndromes, Hereditary; Hereditary neoplastic syndrome. Identifiers: Orphanet 140162, MedGen C0027672, MeSH D009386, MONDO:0015356.
Ataxia-telangiectasia syndrome (AT). Also called: ATAXIA-TELANGIECTASIA, COMPLEMENTATION GROUP A; ATAXIA-TELANGIECTASIA, FRESNO VARIANT; Ataxia-telangiectasia; Ataxia-telangiectasia, complementation group E; Cerebello-oculocutaneous telangiectasia; Immunodeficiency with ataxia telangiectasia. Identifiers: Orphanet 100, MedGen C0004135, MONDO:0008840, OMIM 208900.
Familial cancer of breast. Also called: hereditary breast carcinoma; BREAST CANCER, FAMILIAL; Hereditary breast cancer. Identifiers: Orphanet 227535, MedGen C0346153, MONDO:0016419, OMIM 114480. Disease mechanism: loss of function.

Allele frequency attached by ClinVar (database versions not stated): ExAC 0.00001; gnomAD 0.00001; TOPMed 0.00001.
gnomAD v4.1: 7 of 1,613,738 alleles (0.00043%); highest among the groups gnomAD compares: African/African-American, 0.0027%; no homozygotes.

Submissions (5):

Labcorp Genetics (formerly Invitae), Labcorp
Classification: Likely benign for Ataxia-telangiectasia syndrome. Last evaluated: 2025-11-06. Review status: criteria provided, single submitter. Criteria: Invitae Variant Classification Sherloc (09022015). Collection method: clinical testing. Allele origin: germline.

Myriad Genetics, Inc.
Classification: Benign for Familial cancer of breast. Last evaluated: 2024-06-21. Review status: criteria provided, single submitter. Criteria: Myriad Autosomal Dominant, Autosomal Recessive and X-Linked Classification Criteria (2023). Collection method: clinical testing. Allele origin: unknown.
Comment: This variant is considered benign. This variant is a silent/synonymous amino acid change and it is not expected to impact splicing.

GeneDx
Classification: Likely benign. Last evaluated: 2019-03-26. Review status: criteria provided, single submitter. Criteria: GeneDx Variant Classification Process June 2021. Collection method: clinical testing. Allele origin: germline. Affected: yes.

Ambry Genetics
Classification: Likely benign for Hereditary cancer-predisposing syndrome. Last evaluated: 2018-02-16. Review status: criteria provided, single submitter. Criteria: Ambry Variant Classification Scheme 2023. Collection method: clinical testing. Allele origin: germline.

Color Diagnostics, LLC DBA Color Health
Classification: Likely benign for Hereditary cancer-predisposing syndrome. Last evaluated: 2016-01-05. Review status: criteria provided, single submitter. Criteria: ACMG Guidelines, 2015. Collection method: clinical testing. Allele origin: germline.